The following is an entry in ClinVar:

ClinVar aggregate classification (germline): Uncertain significance (1 of 4 stars; one submission).

Conditions:
Malignant hyperthermia, susceptibility to, 1 (MHS1). Also called: Anesthesia related hyperthermia; Malignant hyperpyrexia; Fulminating hyperpyrexia; Pharmacogenic myopathy; RYR1-Related Malignant Hyperthermia Susceptibility; Malignant hyperthermia suceptibility 1. Identifiers: Orphanet 423, MedGen C2930980, MONDO:0007783, OMIM 145600.

Allele frequency attached by ClinVar (database versions not stated): TOPMed below 0.00001.

Submission:

All of Us Research Program, National Institutes of Health
Classification: Uncertain significance for Malignant hyperthermia, susceptibility to, 1. Last evaluated: 2023-12-18. Review status: criteria provided, single submitter. Criteria: ACMG Guidelines, 2015. Collection method: clinical testing. Allele origin: germline. Inheritance: Autosomal dominant inheritance. Observed: 1 variant allele, 1 heterozygote.
Comment: This missense variant replaces threonine with alanine at codon 4240 of the RYR1 protein. Computational prediction suggests that this variant may have deleterious impact on protein structure and function (internally defined REVEL score threshold >= 0.7, PMID: 27666373). To our knowledge, functional studies have not been reported for this variant. This variant has not been reported in individuals affected with RYR1-related disorders in the literature. This variant has not been identified in the general population by the Genome Aggregation Database (gnomAD). The available evidence is insufficient to determine the role of this variant in disease conclusively. Therefore, this variant is classified as a Variant of Uncertain Significance.

This study involves interpretation of variants in research participants for the purpose of population health screening. Participant phenotype was not available at the time of variant classification. Additional details can be found in publication PMID: 35346344, PMCID: PMC8962531

NM_000540.3(RYR1):c.12718A>G (p.Thr4240Ala)

Gene: RYR1 (ryanodine receptor 1; plus strand). Cytogenetic location: 19q13.2.
Variant type: single nucleotide variant.
Coding change: c.12718A>G on transcript NM_000540.3 (MANE Select); coding-DNA position 12718, A replaced by G.
Protein change: p.Thr4240Ala; replaces threonine 4240 with alanine.
Molecular consequence: missense variant.
Genome position (GRCh38, 1-based): chr19:38,565,052, A>G. VCF-style: chr19-38565052-A-G. GRCh37 (hg19) VCF-style: chr19-39055692-A-G.
Other names: c.12703A>G, p.Thr4235Ala (NM_001042723.2); short protein forms T4235A, T4240A.
Identifiers: ClinVar variation 3075143 (VCV003075143.1), dbSNP rs1973326045, ClinGen allele CA405670998.
Genomic context (GRCh38, chr19:38,565,052, plus strand): 5'-GTGGTGAACGAGGGCGGCGAGGCTGAGAAGATGGAGCTCTTCGTGAGTTTCTGCGAGGAC[A>G]CCATCTTCGAGATGCAGATCGCCGCGCAGATCTCGGAGCCCGAGGGCGAGCCGGAGACCG-3'
Protein context (NP_000531.2, residues 4230-4250): MELFVSFCED[Thr4240Ala]IFEMQIAAQI